The following is an entry in ClinVar:

NM_001429.4(EP300):c.5813C>T (p.Thr1938Met)

Gene: EP300 (E1A binding protein p300; plus strand). Cytogenetic location: 22q13.2.
Variant type: single nucleotide variant.
Coding change: c.5813C>T on transcript NM_001429.4 (MANE Select); coding-DNA position 5813, C replaced by T.
Protein change: p.Thr1938Met; replaces threonine 1938 with methionine.
Molecular consequence: missense variant.
Genome position (GRCh38, 1-based): chr22:41,177,524, C>T. VCF-style: chr22-41177524-C-T. GRCh37 (hg19) VCF-style: chr22-41573528-C-T.
Other names: c.5735C>T, p.Thr1912Met (NM_001362843.2); short protein forms T1912M, T1938M.
Identifiers: ClinVar variation 1708790 (VCV001708790.2), dbSNP rs1236533772, ClinGen allele CA411709999.

ClinVar aggregate classification (germline): Uncertain significance (1 of 4 stars; one submission).

Allele frequency attached by ClinVar (database versions not stated): gnomAD exomes below 0.00001; TOPMed below 0.00001.
gnomAD v4.1: 2 of 1,614,198 alleles (0.00012%); highest among the groups gnomAD compares: Admixed American, 0.0017%; no homozygotes.

Submission:

GeneDx
Classification: Uncertain significance. Last evaluated: 2022-04-06. Review status: criteria provided, single submitter. Criteria: GeneDx Variant Classification Process June 2021. Collection method: clinical testing. Allele origin: germline. Affected: yes.
Comment: In silico analysis supports that this missense variant does not alter protein structure/function; Has not been previously published as pathogenic or benign to our knowledge